The following is an entry in ClinVar:

ClinVar aggregate classification (germline): Uncertain significance (1 of 4 stars; one submission).

gnomAD v4.1: 2 of 1,614,134 alleles (0.00012%); highest among the groups gnomAD compares: Non-Finnish European, 0.00017%; no homozygotes.

Submission:

CeGaT Center for Human Genetics Tuebingen
Classification: Uncertain significance. Last evaluated: 2022-09-01. Review status: criteria provided, single submitter. Criteria: CeGaT Center For Human Genetics Tuebingen Variant Classification Criteria Version 2. Collection method: clinical testing. Allele origin: germline. Affected: yes. Observed: 1 variant allele.
Comment: DCTN1: PM2, BP4

NM_004082.5(DCTN1):c.1048+3A>G

Gene: DCTN1 (dynactin subunit 1; minus strand). Cytogenetic location: 2p13.1.
Variant type: single nucleotide variant.
Coding change: c.1048+3A>G on transcript NM_004082.5 (MANE Select); 3 bases into the intron after coding-DNA position 1048, A replaced by G.
Molecular consequence: intron variant.
Genome position (GRCh38, 1-based): chr2:74,370,618, T>C on the plus strand (A>G on the coding strand, the complement: DCTN1 is on the minus strand). VCF-style: chr2-74370618-T-C. GRCh37 (hg19) VCF-style: chr2-74597745-T-C.
Other names: c.937+3A>G (NM_001190836.2); c.979+3A>G (NM_001378992.1); c.997+3A>G (NM_001378991.1); c.988+3A>G (NM_001135040.3); c.1027+3A>G (NM_001190837.2); c.646+3A>G (NM_001135041.3, NM_023019.4).
Identifiers: ClinVar variation 2651072 (VCV002651072.24), dbSNP rs1674767158, ClinGen allele CA2577009085.
Genomic context (GRCh38, chr2:74,370,618, plus strand): 5'-TTAACACTTTCAGGCATGGTTCTCACCTGACCGTTTGGCCCCCAGCAGCTGTGGGCCCCT[T>C]ACCCTTCTCTTCAATCTCAGCCTTGAGGATCTCTAAGTCAGTAGTGAGCTCGTCCACCCG-3'